The following is an entry in ClinVar:

NM_001330691.3(CEP78):c.1354A>G (p.Thr452Ala)

Gene: CEP78 (centrosomal protein 78; plus strand). Cytogenetic location: 9q21.2.
Variant type: single nucleotide variant.
Coding change: c.1354A>G on transcript NM_001330691.3 (MANE Select); coding-DNA position 1354, A replaced by G.
Protein change: p.Thr452Ala; replaces threonine 452 with alanine.
Molecular consequence: missense variant.
Genome position (GRCh38, 1-based): chr9:78,254,938, A>G. VCF-style: chr9-78254938-A-G. GRCh37 (hg19) VCF-style: chr9-80869854-A-G.
Other names: c.1357A>G, p.Thr453Ala (NM_001098802.3, NM_001349839.2, NM_001349840.2 and 1 more transcripts); c.1354A>G, p.Thr452Ala (NM_001330693.3, NM_001330694.2, NM_001349838.2); short protein forms T453A, T452A.
Identifiers: ClinVar variation 1354510 (VCV001354510.6), dbSNP rs2118342878, ClinGen allele CA373861189.
Genomic context (GRCh38, chr9:78,254,938, plus strand): 5'-TCCTCTGAAGTTGAAGAGGTTGATGATTCTTCAGAGAGTGTTCATGAAGTGCCTGAGAAA[A>G]CTAGTATAGAACAAGAAGCATTACAGGTACAAAGCTATCACTTTAAAGATATGGAGAAGA-3'
Protein context (NP_001317620.1, residues 442-462): SESVHEVPEK[Thr452Ala]SIEQEALQEK

ClinVar aggregate classification (germline): Uncertain significance (1 of 4 stars; one submission).

Allele frequency attached by ClinVar (database versions not stated): gnomAD exomes below 0.00001.

Submission:

Labcorp Genetics (formerly Invitae), Labcorp
Classification: Uncertain significance. Last evaluated: 2025-03-17. Review status: criteria provided, single submitter. Criteria: Invitae Variant Classification Sherloc (09022015). Collection method: clinical testing. Allele origin: germline.
Comment: This sequence change replaces threonine, which is neutral and polar, with alanine, which is neutral and non-polar, at codon 453 of the CEP78 protein (p.Thr453Ala). This variant is not present in population databases (gnomAD no frequency). This variant has not been reported in the literature in individuals affected with CEP78-related conditions. ClinVar contains an entry for this variant (Variation ID: 1354510). Invitae Evidence Modeling of protein sequence and biophysical properties (such as structural, functional, and spatial information, amino acid conservation, physicochemical variation, residue mobility, and thermodynamic stability) indicates that this missense variant is not expected to disrupt CEP78 protein function with a negative predictive value of 80%. In summary, the available evidence is currently insufficient to determine the role of this variant in disease. Therefore, it has been classified as a Variant of Uncertain Significance.